The following is an entry in ClinVar:

ClinVar aggregate classification (germline): Conflicting classifications of pathogenicity. Review status: criteria provided, conflicting classifications (1 of 4 stars). 2 submissions from 2 submitters: Likely pathogenic (1); Uncertain significance (1). Last evaluated 2024-04-25.

Conditions:
Amyotrophic lateral sclerosis type 10 (ALS10). Also called: TARDBP-Related Amyotrophic Lateral Sclerosis-Frontotemporal Dementia; Amyotrophic lateral sclerosis 10, with or without FTD; AMYOTROPHIC LATERAL SCLEROSIS 10 WITHOUT FRONTOTEMPORAL DEMENTIA AND WITH TDP43 INCLUSIONS; AMYOTROPHIC LATERAL SCLEROSIS 10 WITH OR WITHOUT FRONTOTEMPORAL DEMENTIA AND WITH TDP43 INCLUSIONS; AMYOTROPHIC LATERAL SCLEROSIS 10 WITH OR WITHOUT FRONTOTEMPORAL DEMENTIA. Identifiers: Orphanet 275872, Orphanet 803, MedGen C2677565, MONDO:0012790, OMIM 612069.
FRONTOTEMPORAL LOBAR DEGENERATION WITH TDP43 INCLUSIONS, TARDBP-RELATED. Also called: Frontotemporal lobar degeneration, TARDBP-related. Identifiers: MedGen C3150169, OMIM 612069.

Submissions (2):

Labcorp Genetics (formerly Invitae), Labcorp
Classification: Uncertain significance for Amyotrophic lateral sclerosis type 10; FRONTOTEMPORAL LOBAR DEGENERATION WITH TDP43 INCLUSIONS, TARDBP-RELATED. Last evaluated: 2024-04-25. Review status: criteria provided, single submitter. Criteria: Invitae Variant Classification Sherloc (09022015). Collection method: clinical testing. Allele origin: germline.
Comment: This sequence change replaces glycine, which is neutral and non-polar, with valine, which is neutral and non-polar, at codon 298 of the TARDBP protein (p.Gly298Val). This variant is not present in population databases (gnomAD no frequency). This missense change has been observed in individual(s) with amyotrophic lateral sclerosis (PMID: 32579787, 35239007; Invitae). ClinVar contains an entry for this variant (Variation ID: 873205). An algorithm developed to predict the effect of missense changes on protein structure and function (PolyPhen-2) suggests that this variant is likely to be tolerated. This variant disrupts the p.Gly298 amino acid residue in TARDBP. Other variant(s) that disrupt this residue have been determined to be pathogenic (PMID: 18396105, 20558945, 28709720, 32166880). This suggests that this residue is clinically significant, and that variants that disrupt this residue are likely to be disease-causing. In summary, the available evidence is currently insufficient to determine the role of this variant in disease. Therefore, it has been classified as a Variant of Uncertain Significance.

Suna and Inan Kirac Foundation Neurodegeneration Research Laboratory, Koc University
Classification: Likely pathogenic for Amyotrophic lateral sclerosis type 10. Last evaluated: 2020-03-31. Review status: criteria provided, single submitter. Criteria: ACMG Guidelines, 2015. Collection method: research. Allele origin: germline. Affected: yes. Observed: 1 variant allele.

Literature cited by the submitters: PubMed 32579787 (cited by Labcorp Genetics (formerly Invitae), Labcorp); PubMed 35239007 (cited by Labcorp Genetics (formerly Invitae), Labcorp); PubMed 18396105 (cited by Labcorp Genetics (formerly Invitae), Labcorp); PubMed 20558945 (cited by Labcorp Genetics (formerly Invitae), Labcorp); PubMed 28709720 (cited by Labcorp Genetics (formerly Invitae), Labcorp); PubMed 32166880 (cited by Labcorp Genetics (formerly Invitae), Labcorp).

NM_007375.4(TARDBP):c.893G>T (p.Gly298Val)

Gene: TARDBP (TAR DNA binding protein; plus strand). Cytogenetic location: 1p36.22.
Variant type: single nucleotide variant.
Coding change: c.893G>T on transcript NM_007375.4 (MANE Select); coding-DNA position 893, G replaced by T.
Protein change: p.Gly298Val; replaces glycine 298 with valine.
Molecular consequence: missense variant.
Genome position (GRCh38, 1-based): chr1:11,022,302, G>T. VCF-style: chr1-11022302-G-T. GRCh37 (hg19) VCF-style: chr1-11082359-G-T.
Other names: short protein forms G298V.
Identifiers: ClinVar variation 873205 (VCV000873205.5), dbSNP rs1643653768, ClinGen allele CA338364696.